The following is an entry in ClinVar:

NM_014009.4(FOXP3):c.1015C>G (p.Pro339Ala)

Gene: FOXP3 (forkhead box P3; minus strand). Cytogenetic location: Xp11.23.
Variant type: single nucleotide variant.
Coding change: c.1015C>G on transcript NM_014009.4 (MANE Select); coding-DNA position 1015, C replaced by G.
Protein change: p.Pro339Ala; replaces proline 339 with alanine.
Molecular consequence: missense variant.
Genome position (GRCh38, 1-based): chrX:49,253,155, G>C on the plus strand (C>G on the coding strand, the complement: FOXP3 is on the minus strand). VCF-style: chrX-49253155-G-C. GRCh37 (hg19) VCF-style: chrX-49109616-G-C.
Other names: c.910C>G, p.Pro304Ala (NM_001114377.2); short protein forms P339A, P304A.
Identifiers: ClinVar variation 282065 (VCV000282065.13), dbSNP rs886044787, ClinGen allele CA10604059.

ClinVar aggregate classification (germline): Pathogenic/Likely pathogenic. Review status: criteria provided, multiple submitters, no conflicts (2 of 4 stars). 2 submissions from 2 submitters: Pathogenic (1); Likely pathogenic (1). Last evaluated 2020-02-27.

Conditions:
Insulin-dependent diabetes mellitus secretory diarrhea syndrome (IPEX). Also called: DIABETES MELLITUS, CONGENITAL INSULIN-DEPENDENT, WITH FATAL SECRETORY DIARRHEA; DIARRHEA, POLYENDOCRINOPATHY, FATAL INFECTION SYNDROME, X-LINKED; ENTEROPATHY, AUTOIMMUNE, WITH HEMOLYTIC ANEMIA AND POLYENDOCRINOPATHY; Immunodysregulation, polyendocrinopathy, and enteropathy, X-linked; X-Linked Autoimmunity-Allergic Dysregulation Syndrome; Immune dysregulation-polyendocrinopathy-enteropathy-X-linked syndrome. Identifiers: Orphanet 37042, MedGen C0342288, MONDO:0010580, OMIM 304790. Disease mechanism: loss of function.

Submissions (2):

Labcorp Genetics (formerly Invitae), Labcorp
Classification: Pathogenic for Insulin-dependent diabetes mellitus secretory diarrhea syndrome. Last evaluated: 2020-02-27. Review status: criteria provided, single submitter. Criteria: Invitae Variant Classification Sherloc (09022015). Collection method: clinical testing. Allele origin: germline.
Comment: This sequence change replaces proline with alanine at codon 339 of the FOXP3 protein (p.Pro339Ala). The proline residue is highly conserved and there is a small physicochemical difference between proline and alanine. This variant is not present in population databases (ExAC no frequency). This variant has been observed in individual(s) with Immune dysregulation, polyendocrinopathy, enteropathy, X-linked (IPEX) syndrome (PMID: 18931102, 18951619, 20537998, 30385752, Invitae). ClinVar contains an entry for this variant (Variation ID: 282065). Algorithms developed to predict the effect of missense changes on protein structure and function (SIFT, PolyPhen-2, Align-GVGD) all suggest that this variant is likely to be disruptive, but these predictions have not been confirmed by published functional studies and their clinical significance is uncertain. This variant disrupts the p.Pro339 amino acid residue in FOXP3. Other variant(s) that disrupt this residue have been determined to be pathogenic (PMID: 30805323, 30385752). This suggests that this residue is clinically significant, and that variants that disrupt this residue are likely to be disease-causing. For these reasons, this variant has been classified as Pathogenic.

Eurofins Ntd Llc (ga)
Classification: Likely pathogenic. Last evaluated: 2015-08-19. Review status: criteria provided, single submitter. Criteria: EGL Classification Definitions 2015. Collection method: clinical testing. Allele origin: germline. Observed: 1 variant allele, 1 hemizygote.

Literature cited by the submitters: PubMed 18931102 (cited by Labcorp Genetics (formerly Invitae), Labcorp); PubMed 18951619 (cited by Labcorp Genetics (formerly Invitae), Labcorp); PubMed 20537998 (cited by Labcorp Genetics (formerly Invitae), Labcorp); PubMed 30385752 (cited by Labcorp Genetics (formerly Invitae), Labcorp); PubMed 30805323 (cited by Labcorp Genetics (formerly Invitae), Labcorp).